The following is an entry in ClinVar:

NM_003079.5(SMARCE1):c.1022A>C (p.Glu341Ala)

Gene: SMARCE1 (SWI/SNF related BAF chromatin remodeling complex subunit E1; minus strand). Cytogenetic location: 17q21.2.
Variant type: single nucleotide variant.
Coding change: c.1022A>C on transcript NM_003079.5 (MANE Select); coding-DNA position 1022, A replaced by C.
Protein change: p.Glu341Ala; replaces glutamic acid 341 with alanine.
Molecular consequence: missense variant.
Genome position (GRCh38, 1-based): chr17:40,630,719, T>G on the plus strand (A>C on the coding strand, the complement: SMARCE1 is on the minus strand). VCF-style: chr17-40630719-T-G. GRCh37 (hg19) VCF-style: chr17-38786971-T-G.
Other names: short protein forms E341A.
Identifiers: ClinVar variation 3958602 (VCV003958602.1).
Genomic context (GRCh38, chr17:40,630,719, plus strand): 5'-AAGACAGCCGTACAAAGTCTTGGCACTGCCTCTGCGTTTGTTGCTAGTGGGTTACCTGTC[T>G]CCATCGGAATGTTCTCGTCGTCTTTCTTCTCCTCGCCTTTGTTAGCTGCTTGTTCTTCCT-3'
Protein context (NP_003070.3, residues 331-351): EKKDDENIPM[Glu341Ala]TEETHLEETT

ClinVar aggregate classification (germline): Uncertain significance (1 of 4 stars; one submission).

Conditions:
Hereditary cancer-predisposing syndrome. Also called: Tumor predisposition; Hereditary neoplastic syndrome; Hereditary Cancer Syndrome; Neoplastic Syndromes, Hereditary. Identifiers: Orphanet 140162, MedGen C0027672, MeSH D009386, MONDO:0015356.

Submission:

Ambry Genetics
Classification: Uncertain significance for Hereditary cancer-predisposing syndrome. Last evaluated: 2025-05-23. Review status: criteria provided, single submitter. Criteria: Ambry Variant Classification Scheme 2023. Collection method: clinical testing. Allele origin: germline.
Comment: The p.E341A variant (also known as c.1022A>C), located in coding exon 9 of the SMARCE1 gene, results from an A to C substitution at nucleotide position 1022. The glutamic acid at codon 341 is replaced by alanine, an amino acid with dissimilar properties. This amino acid position is conserved. In addition, this alteration is predicted to be tolerated by in silico analysis. Based on the available evidence, the clinical significance of this variant remains unclear.